The following is an entry in ClinVar:

ClinVar aggregate classification (germline): Pathogenic. Review status: criteria provided, multiple submitters, no conflicts (2 of 4 stars). 2 submissions from 2 submitters: Pathogenic (2). Last evaluated 2025-12-30.

Conditions:
Severe intellectual disability-poor language-strabismus-grimacing face-long fingers syndrome (GAND). Also called: GAND SYNDROME. Identifiers: Orphanet 363686, MedGen C3554448, MONDO:0014034, OMIM 615074.

Submissions (2):

3billion
Classification: Pathogenic for Severe intellectual disability-poor language-strabismus-grimacing face-long fingers syndrome. Last evaluated: 2025-12-30. Review status: criteria provided, single submitter. Criteria: ACMG Guidelines, 2015. Collection method: clinical testing. Allele origin: germline. Affected: yes.
Comment: The variant is not observed in the gnomAD v4.1.0 dataset. Predicted Consequence/Location: Frameshift: predicted to result in a loss or disruption of normal protein function through nonsense-mediated decay (NMD) or protein truncation. Multiple pathogenic variants are reported downstream of the variant. The variant has been reported to be associated with GATAD2B-related disorder (ClinVar ID: VCV001453672). Therefore, this variant is classified as Pathogenic according to the recommendation of ACMG/AMP guideline.

Labcorp Genetics (formerly Invitae), Labcorp
Classification: Pathogenic. Last evaluated: 2021-05-26. Review status: criteria provided, single submitter. Criteria: Invitae Variant Classification Sherloc (09022015). Collection method: clinical testing. Allele origin: germline.
Comment: This variant has not been reported in the literature in individuals with GATAD2B-related conditions. For these reasons, this variant has been classified as Pathogenic. This variant is not present in population databases (ExAC no frequency). This sequence change creates a premature translational stop signal (p.Gly218Aspfs*22) in the GATAD2B gene. It is expected to result in an absent or disrupted protein product. Loss-of-function variants in GATAD2B are known to be pathogenic (PMID: 23033978, 25356899, 27159321).

Literature cited by the submitters: PubMed 23033978 (cited by Labcorp Genetics (formerly Invitae), Labcorp); PubMed 25356899 (cited by Labcorp Genetics (formerly Invitae), Labcorp); PubMed 27159321 (cited by Labcorp Genetics (formerly Invitae), Labcorp).

NM_020699.4(GATAD2B):c.653del (p.Gly218fs)

Gene: GATAD2B (GATA zinc finger domain containing 2B; minus strand). Cytogenetic location: 1q21.3.
Variant type: Deletion.
Coding change: c.653del on transcript NM_020699.4 (MANE Select); coding-DNA position 653, one base deleted (G; older notation c.653delG).
Protein change: p.Gly218fs; shifts the reading frame from glycine 218.
Molecular consequence: frameshift variant.
Genome position (GRCh38, 1-based): chr1:153,818,116, C deleted on the plus strand (G on the coding strand, the reverse complement: GATAD2B is on the minus strand); the first of 3 consecutive C bases (chr1:153,818,116-153,818,118); deleting any one gives the same sequence. VCF-style (leftmost placement, unchanged base first): chr1-153818115-TC-T. GRCh37 (hg19) VCF-style: chr1-153790591-TC-T.
Other names: short protein forms G218fs.
Identifiers: ClinVar variation 1453672 (VCV001453672.7), dbSNP rs2101881414, ClinGen allele CA2573130517.
Genomic context (GRCh38, chr1:153,818,115, plus strand): 5'-ATTTTGAGGTTCAACCCCTTGGGCCCCAGGCCGAGAGGGAAGCTTAGATAGGCCCTGCTG[TC>T]CCACATGGGCAGGAGATGGCTGAACAATAGATGCTGCATTCTGTACAACTGGAGTCTGGG-3'